The following is an entry in ClinVar:

ClinVar aggregate classification (germline): Uncertain significance (1 of 4 stars; one submission).

Allele frequency attached by ClinVar (database versions not stated): ExAC 0.00001.

Submission:

Ambry Genetics
Classification: Uncertain significance. Last evaluated: 2022-01-01. Review status: criteria provided, single submitter. Criteria: Ambry Variant Classification Scheme 2023. Collection method: clinical testing. Allele origin: germline.
Comment: The p.H1185R variant (also known as c.3554A>G), located in coding exon 30 of the PRKDC gene, results from an A to G substitution at nucleotide position 3554. The histidine at codon 1185 is replaced by arginine, an amino acid with highly similar properties. This amino acid position is conserved. In addition, the in silico prediction for this alteration is inconclusive. Since supporting evidence is limited at this time, the clinical significance of this alteration remains unclear.

NM_006904.7(PRKDC):c.3554A>G (p.His1185Arg)

Gene: PRKDC (protein kinase, DNA-activated, catalytic subunit; minus strand). Cytogenetic location: 8q11.21.
Variant type: single nucleotide variant.
Coding change: c.3554A>G on transcript NM_006904.7 (MANE Select); coding-DNA position 3554, A replaced by G.
Protein change: p.His1185Arg; replaces histidine 1185 with arginine.
Molecular consequence: missense variant.
Genome position (GRCh38, 1-based): chr8:47,897,205, T>C on the plus strand (A>G on the coding strand, the complement: PRKDC is on the minus strand). VCF-style: chr8-47897205-T-C. GRCh37 (hg19) VCF-style: chr8-48809765-T-C.
Other names: c.3554A>G, p.His1185Arg (NM_001081640.2); short protein forms H1185R.
Identifiers: ClinVar variation 1732619 (VCV001732619.2), dbSNP rs746085211, ClinGen allele CA4741147.
Genomic context (GRCh38, chr8:47,897,205, plus strand): 5'-ATACAGATTACCATACCTGGCAATAAAGGAACGAATTTATAAAAGAGTTCAATGGATTTG[T>C]GTCGACATTCTGTCTGGGGCCTCCCACAATGAGCTAAAAGCCACTTGACCAGATCCAATA-3'
Protein context (NP_008835.5, residues 1175-1195): HCGRPQTECR[His1185Arg]KSIELFYKFV